The following is an entry in ClinVar:

NM_052844.4(DYNC2I2):c.1312_1313del (p.Leu438fs)

Gene: DYNC2I2 (dynein 2 intermediate chain 2; minus strand). Cytogenetic location: 9q34.11.
Variant type: Deletion.
Coding change: c.1312_1313del on transcript NM_052844.4 (MANE Select); coding-DNA positions 1312 to 1313, 2 bases deleted (CT; older notation c.1312_1313delCT).
Protein change: p.Leu438fs; shifts the reading frame from leucine 438.
Molecular consequence: frameshift variant.
Genome position (GRCh38, 1-based): chr9:128,634,285-128,634,286, AG deleted on the plus strand (CT on the coding strand, the reverse complement: DYNC2I2 is on the minus strand); deleting any 2 consecutive bases within chr9:128,634,285-128,634,287 gives the same sequence; the c. name uses the placement nearest the transcript's 3' end. VCF-style (leftmost placement, unchanged base first): chr9-128634284-CAG-C. GRCh37 (hg19) VCF-style: chr9-131396563-CAG-C.
Other names: c.1312_1313delCT (NM_052844.3); short protein forms L438fs.
Identifiers: ClinVar variation 665979 (VCV000665979.11), dbSNP rs753802842, ClinGen allele CA5266268.

ClinVar aggregate classification (germline): Pathogenic/Likely pathogenic. Review status: criteria provided, multiple submitters, no conflicts (2 of 4 stars). 4 submissions from 4 submitters: Pathogenic (1); Likely pathogenic (3). Last evaluated 2024-09-06.

Conditions:
DYNC2I2 & WDR34-related disorders.
Short-rib thoracic dysplasia 11 with or without polydactyly (SRTD11). Also called: SHORT-RIB THORACIC DYSPLASIA 11 WITHOUT POLYDACTYLY. Identifiers: Orphanet 474, Orphanet 93271, MedGen C3810200, MONDO:0014287, OMIM 615633.

Submissions (4):

Blueprint Genetics
Classification: Likely pathogenic for DYNC2I2 & WDR34-related disorders. Last evaluated: 2024-09-06. Review status: criteria provided, single submitter. Criteria: ACMG Guidelines, 2015. Collection method: clinical testing. Allele origin: germline. Affected: yes. Observed: 5 variant alleles.

Labcorp Genetics (formerly Invitae), Labcorp
Classification: Pathogenic for Short-rib thoracic dysplasia 11 with or without polydactyly. Last evaluated: 2023-12-04. Review status: criteria provided, single submitter. Criteria: Invitae Variant Classification Sherloc (09022015). Collection method: clinical testing. Allele origin: germline.
Comment: This sequence change creates a premature translational stop signal (p.Leu438Valfs*21) in the WDR34 gene. While this is not anticipated to result in nonsense mediated decay, it is expected to disrupt the last 99 amino acid(s) of the WDR34 protein. This variant is present in population databases (rs753802842, gnomAD 0.006%). This variant has not been reported in the literature in individuals affected with WDR34-related conditions. ClinVar contains an entry for this variant (Variation ID: 665979). Algorithms developed to predict the effect of sequence changes on RNA splicing suggest that this variant may disrupt the consensus splice site. This variant disrupts a region of the WDR34 protein in which other variant(s) (p.Thr514Argfs*11, p.Thr473Serfs*9, p.Gln494*) have been determined to be pathogenic (PMID: 24183451, 29068549). This suggests that this is a clinically significant region of the protein, and that variants that disrupt it are likely to be disease-causing. For these reasons, this variant has been classified as Pathogenic.

Women's Health and Genetics/Laboratory Corporation of America, LabCorp
Classification: Likely pathogenic for Short-rib thoracic dysplasia 11 with or without polydactyly. Last evaluated: 2023-02-02. Review status: criteria provided, single submitter. Criteria: LabCorp Variant Classification Summary - May 2015. Collection method: clinical testing. Allele origin: germline.
Comment: Variant summary: DYNC2I2 (WDR34) c.1312_1313delCT (p.Leu438ValfsX21) results in a premature termination codon, predicted to cause a truncation of the encoded protein or absence of the protein due to nonsense mediated decay, which are commonly known mechanisms for disease. The variant allele was found at a frequency of 2.8e-05 in 251088 control chromosomes. To our knowledge, no occurrence of c.1312_1313delCT in individuals affected with Short-Rib Thoracic Dysplasia 11 With Or Without Polydactyly and no experimental evidence demonstrating its impact on protein function have been reported. Two clinical diagnostic laboratories have submitted clinical-significance assessments for this variant to ClinVar after 2014 without evidence for independent evaluation. All laboratories classified the variant as pathogenic/likely pathogenic. Based on the evidence outlined above, the variant was classified as likely pathogenic.

Fulgent Genetics
Classification: Likely pathogenic for Short-rib thoracic dysplasia 11 with or without polydactyly. Last evaluated: 2022-05-25. Review status: criteria provided, single submitter. Criteria: ACMG Guidelines, 2015. Collection method: clinical testing. Allele origin: unknown.

Literature cited by the submitters: PubMed 24183451 (cited by Labcorp Genetics (formerly Invitae), Labcorp); PubMed 29068549 (cited by Labcorp Genetics (formerly Invitae), Labcorp).